The following is an entry in ClinVar:

NM_005359.6(SMAD4):c.250-3T>C

Gene: SMAD4 (SMAD family member 4; plus strand). Cytogenetic location: 18q21.2.
Variant type: single nucleotide variant.
Coding change: c.250-3T>C on transcript NM_005359.6 (MANE Select); 3 bases into the intron before coding-DNA position 250, T replaced by C.
Molecular consequence: intron variant.
Genome position (GRCh38, 1-based): chr18:51,048,683, T>C. VCF-style: chr18-51048683-T-C. GRCh37 (hg19) VCF-style: chr18-48575053-T-C.
Identifiers: ClinVar variation 484831 (VCV000484831.15), dbSNP rs1555685140, ClinGen allele CA658658739.
Genomic context (GRCh38, chr18:51,048,683, plus strand): 5'-CAGAATATATAAAAGTGTCTTGCATAATGTGACACATGAATAAATGGTCGTTTATTTTTC[T>C]AGGTGGCTGGTCGGAAAGGATTTCCTCATGTGATCTATGCCCGTCTCTGGAGGTGGCCTG-3'

ClinVar aggregate classification (germline): Uncertain significance. Review status: criteria provided, multiple submitters, no conflicts (2 of 4 stars). 2 submissions from 2 submitters: Uncertain significance (2). Last evaluated 2025-08-07.

Conditions:
Familial thoracic aortic aneurysm and aortic dissection (TAAD). Also called: Thoracic aortic aneurysms and dissections. Identifiers: Orphanet 91387, MedGen C4707243, MONDO:0019625.
Hereditary cancer-predisposing syndrome. Also called: Hereditary neoplastic syndrome; Neoplastic Syndromes, Hereditary; Tumor predisposition; Hereditary Cancer Syndrome. Identifiers: Orphanet 140162, MedGen C0027672, MeSH D009386, MONDO:0015356.
Juvenile polyposis syndrome (JPS). Identifiers: Orphanet 2929, MedGen C0345893, MONDO:0017380, OMIM 174900.

Allele frequency attached by ClinVar (database versions not stated): TOPMed below 0.00001.
gnomAD v4.1: 1 of 1,611,124 alleles (0.000062%); no homozygotes.

Submissions (2):

Labcorp Genetics (formerly Invitae), Labcorp
Classification: Uncertain significance for Juvenile polyposis syndrome. Last evaluated: 2025-08-07. Review status: criteria provided, single submitter. Criteria: Invitae Variant Classification Sherloc (09022015). Collection method: clinical testing. Allele origin: germline.
Comment: This sequence change falls in intron 2 of the SMAD4 gene. It does not directly change the encoded amino acid sequence of the SMAD4 protein. It affects a nucleotide within the consensus splice site. This variant is not present in population databases (gnomAD no frequency). This variant has not been reported in the literature in individuals affected with SMAD4-related conditions. ClinVar contains an entry for this variant (Variation ID: 484831). Variants that disrupt the consensus splice site are a relatively common cause of aberrant splicing (PMID: 17576681, 9536098). Algorithms developed to predict the effect of sequence changes on RNA splicing suggest that this variant is not likely to affect RNA splicing. In summary, the available evidence is currently insufficient to determine the role of this variant in disease. Therefore, it has been classified as a Variant of Uncertain Significance.

Ambry Genetics
Classification: Uncertain significance for Hereditary cancer-predisposing syndrome; Familial thoracic aortic aneurysm and aortic dissection. Last evaluated: 2017-08-25. Review status: criteria provided, single submitter. Criteria: Ambry Variant Classification Scheme 2023. Collection method: clinical testing. Allele origin: germline.
Comment: The c.250-3T>C intronic variant results from a T to C substitution 3 nucleotides upstream from coding exon 2 in the SMAD4 gene. This nucleotide position is not well conserved in available vertebrate species. Using the BDGP and ESEfinder splice site prediction tools, this alteration is not predicted to have any significant effect on this splice acceptor site; however, direct evidence is unavailable. Since supporting evidence is limited at this time, the clinical significance of this alteration remains unclear.

Literature cited by the submitters: PubMed 17576681 (cited by Labcorp Genetics (formerly Invitae), Labcorp); PubMed 9536098 (cited by Labcorp Genetics (formerly Invitae), Labcorp).